The following is an entry in ClinVar:

NM_001110556.2(FLNA):c.7559G>A (p.Arg2520His)

Genes: FLNA (filamin A; minus strand), LOC107988032 (Xq28 proximal FLNA-EMD recombination region; plus strand). Cytogenetic location: Xq28.
Variant type: single nucleotide variant.
Coding change: c.7559G>A on transcript NM_001110556.2 (MANE Select); coding-DNA position 7559, G replaced by A.
Protein change: p.Arg2520His; replaces arginine 2520 with histidine.
Molecular consequence: missense variant.
Genome position (GRCh38, 1-based): chrX:154,349,559, C>T on the plus strand (G>A on the coding strand, the complement: FLNA is on the minus strand). VCF-style: chrX-154349559-C-T. GRCh37 (hg19) VCF-style: chrX-153577927-C-T.
Other names: c.7535G>A, p.Arg2512His (NM_001456.4); c.7559G>A (NM_001110556.1); short protein forms R2520H, R2512H.
Identifiers: ClinVar variation 855746 (VCV000855746.14), dbSNP rs781959191, ClinGen allele CA10559868.

ClinVar aggregate classification (germline): Conflicting classifications of pathogenicity. Review status: criteria provided, conflicting classifications (1 of 4 stars). 4 submissions from 4 submitters: Uncertain significance (2); Benign (1); Likely benign (1). Last evaluated 2026-10-08.

Conditions:
Melnick-Needles syndrome (MNS). Also called: MELNICK-NEEDLES OSTEODYSPLASTY; OSTEODYSPLASTY OF MELNICK AND NEEDLES; Melnick-Needles Syndrome (FLNA-MNS). Identifiers: Orphanet 2484, MedGen C0025237, MONDO:0010650, OMIM 309350.
Heterotopia, periventricular, X-linked dominant (PVNH1). Also called: PERIVENTRICULAR NODULAR HETEROTOPIA 1; PERIVENTRICULAR NODULAR HETEROTOPIA 4; HETEROTOPIA, PERIVENTRICULAR, 1; X-linked periventricular heterotopia. Identifiers: Orphanet 2149, Orphanet 82004, MedGen C1848213, MONDO:0010233, OMIM 300049.
Oto-palato-digital syndrome, type II (OPD2). Also called: OPD II SYNDROME; FACIOPALATOOSSEOUS SYNDROME; Otopalatodigital Syndrome, Type II; Otopalatodigital Syndrome Type 2 (FLNA-OPD2). Identifiers: Orphanet 669, Orphanet 90652, MedGen C1844696, MONDO:0010571, OMIM 304120.
Frontometaphyseal dysplasia (FMD1). Identifiers: Orphanet 1826, MedGen C0265293, MONDO:0015942.
Familial thoracic aortic aneurysm and aortic dissection (TAAD). Also called: Thoracic aortic aneurysms and dissections. Identifiers: Orphanet 91387, MedGen C4707243, MONDO:0019625.
Thrombocytopenia. Identifiers: MedGen C0040034, MeSH D013921, MONDO:0002049, HP:0001873.

Allele frequency attached by ClinVar (database versions not stated): TOPMed below 0.00001; ExAC 0.00002; gnomAD exomes 0.00001 and 0.00003; gnomAD 0.00002.
gnomAD v4.1: 31 of 1,211,154 alleles (0.0026%); highest among the groups gnomAD compares: South Asian, 0.0035%; no homozygotes.

Submissions (4):

GeneDx
Classification: Uncertain significance. Last evaluated: 2026-10-08. Review status: criteria provided, single submitter. Criteria: GeneDx Variant Classification Process June 2021. Collection method: clinical testing. Allele origin: germline.
Comment: Has not been previously published as pathogenic or benign to our knowledge; In silico analysis supports that this missense variant has a deleterious effect on protein structure/function

Labcorp Genetics (formerly Invitae), Labcorp
Classification: Benign for Oto-palato-digital syndrome, type II; Heterotopia, periventricular, X-linked dominant; Frontometaphyseal dysplasia; Melnick-Needles syndrome. Last evaluated: 2025-11-05. Review status: criteria provided, single submitter. Criteria: Invitae Variant Classification Sherloc (09022015). Collection method: clinical testing. Allele origin: germline.

Ambry Genetics
Classification: Likely benign for Familial thoracic aortic aneurysm and aortic dissection. Last evaluated: 2022-12-27. Review status: criteria provided, single submitter. Criteria: Ambry Variant Classification Scheme 2023. Collection method: clinical testing. Allele origin: germline.

Genetics and Molecular Pathology, SA Pathology
Classification: Uncertain significance for Thrombocytopenia. Last evaluated: 2020-02-10. Review status: criteria provided, single submitter. Criteria: ACMG Guidelines, 2015. Collection method: clinical testing. Allele origin: germline. Affected: yes.
Comment: The FLNA c.7559G>A variant is classified as VUS (PM2, PP3) The FLNA c.7559G>A variant is a single nucleotide change in exon 47 of 48 of the FLNA gene, which is predicted to change the amino acid arginine at position 2520 in the protein to histidine. The variant is rare in population databases (PM2). Computational predictions support a deleterious effect on the gene or gene product (PP3). The variant has been reported in dbSNP (rs781959191). It has not been reported in ClinVar or HGMD.